The following is an entry in ClinVar:

ClinVar aggregate classification (germline): Uncertain significance (1 of 4 stars; one submission).

Conditions:
Autosomal recessive limb-girdle muscular dystrophy type R18 (LGMDR18). Also called: MUSCULAR DYSTROPHY, LIMB-GIRDLE, AUTOSOMAL RECESSIVE 18; Autosomal recessive limb-girdle muscular dystrophy type 2S; Limb-girdle muscular dystrophy, type 2S. Identifiers: Orphanet 369840, MedGen C4517996, MONDO:0014144, OMIM 615356.

Submission:

Labcorp Genetics (formerly Invitae), Labcorp
Classification: Uncertain significance for Autosomal recessive limb-girdle muscular dystrophy type R18. Last evaluated: 2023-10-05. Review status: criteria provided, single submitter. Criteria: Invitae Variant Classification Sherloc (09022015). Collection method: clinical testing. Allele origin: germline.
Comment: This sequence change replaces glutamic acid, which is acidic and polar, with glycine, which is neutral and non-polar, at codon 423 of the TRAPPC11 protein (p.Glu423Gly). This variant is not present in population databases (gnomAD no frequency). This variant has not been reported in the literature in individuals affected with TRAPPC11-related conditions. Advanced modeling of protein sequence and biophysical properties (such as structural, functional, and spatial information, amino acid conservation, physicochemical variation, residue mobility, and thermodynamic stability) performed at Invitae indicates that this missense variant is expected to disrupt TRAPPC11 protein function. In summary, the available evidence is currently insufficient to determine the role of this variant in disease. Therefore, it has been classified as a Variant of Uncertain Significance.

NM_021942.6(TRAPPC11):c.1268A>G (p.Glu423Gly)

Gene: TRAPPC11 (trafficking protein particle complex subunit 11; plus strand). Cytogenetic location: 4q35.1.
Variant type: single nucleotide variant.
Coding change: c.1268A>G on transcript NM_021942.6 (MANE Select); coding-DNA position 1268, A replaced by G.
Protein change: p.Glu423Gly; replaces glutamic acid 423 with glycine.
Molecular consequence: missense variant.
Genome position (GRCh38, 1-based): chr4:183,684,035, A>G. VCF-style: chr4-183684035-A-G. GRCh37 (hg19) VCF-style: chr4-184605188-A-G.
Other names: c.1268A>G, p.Glu423Gly (NM_199053.3); short protein forms E423G.
Identifiers: ClinVar variation 2989299 (VCV002989299.3), dbSNP rs2476868719, ClinGen allele CA358866108.